The following is an entry in ClinVar:

ClinVar aggregate classification (germline): Uncertain significance. Review status: criteria provided, multiple submitters, no conflicts (2 of 4 stars). 2 submissions from 2 submitters: Uncertain significance (2). Last evaluated 2025-08-24.

Conditions:
Hyperlipoproteinemia, type 1D. Also called: Hyperlipoproteinemia, type ID. Identifiers: Orphanet 444490, Orphanet 535458, MedGen C4014767, MONDO:0014412, OMIM 615947.
Cardiovascular phenotype. Identifiers: MedGen CN230736.

gnomAD v4.1: 2 of 1,553,740 alleles (0.00013%); highest among the groups gnomAD compares: Non-Finnish European, 0.00017%; no homozygotes.

Submissions (2):

Ambry Genetics
Classification: Uncertain significance for Cardiovascular phenotype. Last evaluated: 2025-08-24. Review status: criteria provided, single submitter. Criteria: Ambry Variant Classification Scheme 2023. Collection method: clinical testing. Allele origin: germline.
Comment: The p.D36H variant (also known as c.106G>C), located in coding exon 2 of the GPIHBP1 gene, results from a G to C substitution at nucleotide position 106. The aspartic acid at codon 36 is replaced by histidine, an amino acid with similar properties. This amino acid position is conserved. In addition, this alteration is predicted to be tolerated by in silico analysis. Since supporting evidence is limited at this time, the clinical significance of this alteration remains unclear.

New York Genome Center
Classification: Uncertain significance for Hyperlipoproteinemia, type 1D. Last evaluated: 2022-02-10. Review status: criteria provided, single submitter. Criteria: NYGC Assertion Criteria 2020. Collection method: clinical testing. Allele origin: germline. Observed: 1 heterozygote.

NM_178172.6(GPIHBP1):c.106G>C (p.Asp36His)

Gene: GPIHBP1 (glycosylphosphatidylinositol anchored high density lipoprotein binding protein 1; plus strand). Cytogenetic location: 8q24.3.
Variant type: single nucleotide variant.
Coding change: c.106G>C on transcript NM_178172.6 (MANE Select); coding-DNA position 106, G replaced by C.
Protein change: p.Asp36His; replaces aspartic acid 36 with histidine.
Molecular consequence: missense variant.
Genome position (GRCh38, 1-based): chr8:143,213,875, G>C. VCF-style: chr8-143213875-G-C. GRCh37 (hg19) VCF-style: chr8-144295750-G-C.
Other names: c.106G>C, p.Asp36His (NM_001301772.2); short protein forms D36H.
Identifiers: ClinVar variation 1783091 (VCV001783091.4), dbSNP rs1486572086, ClinGen allele CA372401751.
Genomic context (GRCh38, chr8:143,213,875, plus strand): 5'-CGGCCAGGGAGAGGGCAGACACAGCAGGAGGAAGAGGAAGAGGACGAGGACCACGGGCCA[G>C]ATGACTACGACGAGGAAGATGAGGATGAGGTGGAAGAGGAGGAGACCAACAGGCTCCCTG-3'
Protein context (NP_835466.2, residues 26-46): EEEEDEDHGP[Asp36His]DYDEEDEDEV